The following is an entry in ClinVar:

ClinVar aggregate classification (germline): Uncertain significance. Review status: criteria provided, multiple submitters, no conflicts (2 of 4 stars). 2 submissions from 2 submitters: Uncertain significance (2). Last evaluated 2025-01-16.

Conditions:
Primary ciliary dyskinesia. Also called: Ciliary dyskinesia. Identifiers: Orphanet 244, MedGen C0008780, MONDO:0016575, HP:0012265.

Allele frequency attached by ClinVar (database versions not stated): gnomAD 0.00001; gnomAD exomes 0.00001; TOPMed 0.00001; ExAC 0.00002.
gnomAD v4.1: 13 of 1,613,982 alleles (0.00081%); highest among the groups gnomAD compares: Admixed American, 0.0083%; no homozygotes.

Submissions (2):

Ambry Genetics
Classification: Uncertain significance. Last evaluated: 2025-01-16. Review status: criteria provided, single submitter. Criteria: Ambry Variant Classification Scheme 2023. Collection method: clinical testing. Allele origin: germline.

Labcorp Genetics (formerly Invitae), Labcorp
Classification: Uncertain significance for Primary ciliary dyskinesia. Last evaluated: 2023-03-10. Review status: criteria provided, single submitter. Criteria: Invitae Variant Classification Sherloc (09022015). Collection method: clinical testing. Allele origin: germline.
Comment: This sequence change replaces methionine, which is neutral and non-polar, with threonine, which is neutral and polar, at codon 2768 of the DNAH8 protein (p.Met2768Thr). This variant is present in population databases (rs780498241, gnomAD 0.003%). This variant has not been reported in the literature in individuals affected with DNAH8-related conditions. Advanced modeling of protein sequence and biophysical properties (such as structural, functional, and spatial information, amino acid conservation, physicochemical variation, residue mobility, and thermodynamic stability) performed at Invitae indicates that this missense variant is expected to disrupt DNAH8 protein function. In summary, the available evidence is currently insufficient to determine the role of this variant in disease. Therefore, it has been classified as a Variant of Uncertain Significance.

NM_001206927.2(DNAH8):c.8303T>C (p.Met2768Thr)

Gene: DNAH8 (dynein axonemal heavy chain 8; plus strand). Cytogenetic location: 6p21.2.
Variant type: single nucleotide variant.
Coding change: c.8303T>C on transcript NM_001206927.2 (MANE Select); coding-DNA position 8303, T replaced by C.
Protein change: p.Met2768Thr; replaces methionine 2768 with threonine.
Molecular consequence: missense variant.
Genome position (GRCh38, 1-based): chr6:38,886,834, T>C. VCF-style: chr6-38886834-T-C. GRCh37 (hg19) VCF-style: chr6-38854610-T-C.
Other names: c.7652T>C, p.Met2551Thr (NM_001371.4); c.8303T>C (NM_001206927.1); short protein forms M2551T, M2768T.
Identifiers: ClinVar variation 2742416 (VCV002742416.5), dbSNP rs780498241, ClinGen allele CA3790157.